The following is an entry in ClinVar:

NM_000548.5(TSC2):c.5129T>G (p.Phe1710Cys)

Gene: TSC2 (TSC complex subunit 2; plus strand). Cytogenetic location: 16p13.3.
Variant type: single nucleotide variant.
Coding change: c.5129T>G on transcript NM_000548.5 (MANE Select); coding-DNA position 5129, T replaced by G.
Protein change: p.Phe1710Cys; replaces phenylalanine 1710 with cysteine.
Molecular consequence: missense variant.
Genome position (GRCh38, 1-based): chr16:2,088,108, T>G. VCF-style: chr16-2088108-T-G. GRCh37 (hg19) VCF-style: chr16-2138109-T-G.
Other names: c.4928T>G, p.Phe1643Cys (NM_001077183.3); c.5060T>G, p.Phe1687Cys (NM_001114382.3); c.4820T>G, p.Phe1607Cys (NM_001318827.2); c.4784T>G, p.Phe1595Cys (NM_001318829.2); c.4397T>G, p.Phe1466Cys (NM_001318831.2); c.4961T>G, p.Phe1654Cys (NM_001318832.2); c.4931T>G, p.Phe1644Cys (NM_001363528.2); c.4997T>G, p.Phe1666Cys (NM_001370404.1); and 1 more; short protein forms F1466C, F1654C, F1687C, F1595C, F1643C, F1644C, F1607C, F1666C.
Identifiers: ClinVar variation 654934 (VCV000654934.7), dbSNP rs1315439478, ClinGen allele CA394312445.
Genomic context (GRCh38, chr16:2,088,108, plus strand): 5'-ACATGGAGGGCCTTGTGGACACCAGCGTGGCCAAGATCGTGTCTGACCGCAACCTGCCCT[T>G]CGTGGCCCGCCAGATGGCCCTGCACGCAAATGTGAGTGGGGGTGGGTCCAGGCGTGAGCT-3'
Protein context (NP_000539.2, residues 1700-1720): AKIVSDRNLP[Phe1710Cys]VARQMALHAN

ClinVar aggregate classification (germline): Conflicting classifications of pathogenicity. Review status: criteria provided, conflicting classifications (1 of 4 stars). 2 submissions from 2 submitters: Uncertain significance (1); Benign (1). Last evaluated 2024-10-24.

Conditions:
Tuberous sclerosis 2 (TSC2). Identifiers: Orphanet 805, MedGen C1860707, MONDO:0013199, OMIM 613254.
Hereditary cancer-predisposing syndrome. Also called: Neoplastic Syndromes, Hereditary; Hereditary neoplastic syndrome; Hereditary Cancer Syndrome; Tumor predisposition. Identifiers: Orphanet 140162, MedGen C0027672, MeSH D009386, MONDO:0015356.

Allele frequency attached by ClinVar (database versions not stated): gnomAD exomes below 0.00001; TOPMed 0.00001; gnomAD 0.00005 and 0.00006.

Submissions (2):

Ambry Genetics
Classification: Uncertain significance for Hereditary cancer-predisposing syndrome. Last evaluated: 2024-10-24. Review status: criteria provided, single submitter. Criteria: Ambry Variant Classification Scheme 2023. Collection method: clinical testing. Allele origin: germline.
Comment: The p.F1710C variant (also known as c.5129T>G), located in coding exon 39 of the TSC2 gene, results from a T to G substitution at nucleotide position 5129. The phenylalanine at codon 1710 is replaced by cysteine, an amino acid with highly dissimilar properties. This amino acid position is conserved. In addition, this alteration is predicted to be deleterious by in silico analysis. Based on the available evidence, the clinical significance of this variant remains unclear.

Labcorp Genetics (formerly Invitae), Labcorp
Classification: Benign for Tuberous sclerosis 2. Last evaluated: 2023-07-07. Review status: criteria provided, single submitter. Criteria: Invitae Variant Classification Sherloc (09022015). Collection method: clinical testing. Allele origin: germline.